The following is an entry in ClinVar:

NM_025193.4(HSD3B7):c.618C>T (p.Tyr206=)

Gene: HSD3B7 (hydroxy-delta-5-steroid dehydrogenase, 3 beta- and steroid delta-isomerase 7; plus strand). Cytogenetic location: 16p11.2.
Variant type: single nucleotide variant.
Coding change: c.618C>T on transcript NM_025193.4 (MANE Select); coding-DNA position 618, C replaced by T.
Protein change: p.Tyr206=; no amino-acid change (tyrosine 206 retained).
Molecular consequence: synonymous variant. On other transcripts: intron variant (2).
Genome position (GRCh38, 1-based): chr16:30,986,926, C>T. VCF-style: chr16-30986926-C-T. GRCh37 (hg19) VCF-style: chr16-30998247-C-T.
Other names: c.618C>T (NM_025193.3); c.531+222C>T (NM_001142777.2, NM_001142778.2).
Identifiers: ClinVar variation 2909894 (VCV002909894.5), dbSNP rs376562345, ClinGen allele CA8018052.

ClinVar aggregate classification (germline): Benign. Review status: criteria provided, single submitter (1 of 4 stars). 2 submissions from 2 submitters: Benign (1). 1 of the submissions does not count toward it. Last evaluated 2025-12-02.

Conditions:
HSD3B7-related disorder. Also called: HSD3B7-related condition.

Allele frequency attached by ClinVar (database versions not stated): TOPMed 0.00009; gnomAD 0.00009; ESP Exome Variant Server 0.00008; ExAC 0.00013.

Submissions (2):

Labcorp Genetics (formerly Invitae), Labcorp
Classification: Benign. Last evaluated: 2025-12-02. Review status: criteria provided, single submitter. Criteria: Invitae Variant Classification Sherloc (09022015). Collection method: clinical testing. Allele origin: germline.

PreventionGenetics, part of Exact Sciences
Classification: Likely benign for HSD3B7-related condition. Last evaluated: 2022-12-05. Review status: no assertion criteria provided. Collection method: clinical testing. Allele origin: germline. Not counted in ClinVar's aggregate classification.
Comment: This variant is classified as likely benign based on ACMG/AMP sequence variant interpretation guidelines (Richards et al. 2015 PMID: 25741868, with internal and published modifications).